The following is an entry in ClinVar:

ClinVar aggregate classification (germline): Uncertain significance (1 of 4 stars; one submission).

Conditions:
MHC class II deficiency. Also called: Bare lymphocyte syndrome 2; BLS, TYPE II. Identifiers: Orphanet 572, MedGen C5447452, MONDO:0008855.

Submission:

Labcorp Genetics (formerly Invitae), Labcorp
Classification: Uncertain significance for MHC class II deficiency. Last evaluated: 2019-05-31. Review status: criteria provided, single submitter. Criteria: Invitae Variant Classification Sherloc (09022015). Collection method: clinical testing. Allele origin: germline.
Comment: This sequence change replaces leucine with tryptophan at codon 488 of the CIITA protein (p.Leu488Trp). The leucine residue is moderately conserved and there is a small physicochemical difference between leucine and tryptophan. In summary, the available evidence is currently insufficient to determine the role of this variant in disease. Therefore, it has been classified as a Variant of Uncertain Significance. Algorithms developed to predict the effect of missense changes on protein structure and function are either unavailable or do not agree on the potential impact of this missense change (SIFT: "Deleterious"; PolyPhen-2: "Benign"; Align-GVGD: "Class C0"). This variant has not been reported in the literature in individuals with CIITA-related conditions. This variant is not present in population databases (ExAC no frequency).

NM_000246.4(CIITA):c.1463T>G (p.Leu488Trp)

Gene: CIITA (class II major histocompatibility complex transactivator; plus strand). Cytogenetic location: 16p13.13.
Variant type: single nucleotide variant.
Coding change: c.1463T>G on transcript NM_000246.4 (MANE Select); coding-DNA position 1463, T replaced by G.
Protein change: p.Leu488Trp; replaces leucine 488 with tryptophan.
Molecular consequence: missense variant. On other transcripts: intron variant (1).
Genome position (GRCh38, 1-based): chr16:10,906,955, T>G. VCF-style: chr16-10906955-T-G. GRCh37 (hg19) VCF-style: chr16-11000812-T-G.
Other names: c.1466T>G, p.Leu489Trp (NM_001286402.1, NM_001379332.1); c.1319T>G, p.Leu440Trp (NM_001379330.1); c.1316T>G, p.Leu439Trp (NM_001379331.1); c.1463T>G, p.Leu488Trp (NM_001379333.1); c.1394T>G, p.Leu465Trp (NM_001379334.1); c.860-2028T>G (NM_001286403.2); short protein forms L440W, L465W, L489W, L439W, L488W.
Identifiers: ClinVar variation 947688 (VCV000947688.9), dbSNP rs2039205639, ClinGen allele CA394730814.